The following is an entry in ClinVar:

NM_000277.3(PAH):c.706+5G>A

Gene: PAH (phenylalanine hydroxylase; minus strand). Cytogenetic location: 12q23.2.
Variant type: single nucleotide variant.
Coding change: c.706+5G>A on transcript NM_000277.3 (MANE Select); 5 bases into the intron after coding-DNA position 706, G replaced by A.
Molecular consequence: intron variant.
Genome position (GRCh38, 1-based): chr12:102,855,131, C>T on the plus strand (G>A on the coding strand, the complement: PAH is on the minus strand). VCF-style: chr12-102855131-C-T. GRCh37 (hg19) VCF-style: chr12-103248909-C-T.
Other names: c.706+5G>A (NM_001354304.2).
Identifiers: ClinVar variation 987770 (VCV000987770.1), dbSNP rs1331362460, ClinGen allele CA1139532543.

ClinVar aggregate classification (germline): Uncertain significance (3 of 4 stars; one submission).

Conditions:
Phenylketonuria (PKU). Also called: OLIGOPHRENIA PHENYLPYRUVICA; Phenylketonuria (PKU); Phenylketonurias; FOLLING DISEASE. Identifiers: Orphanet 716, MedGen C0031485, MONDO:0009861, OMIM 261600. Disease mechanism: loss of function.

Submission:

ClinGen PAH Variant Curation Expert Panel
Classification: Uncertain significance for Phenylketonuria. Last evaluated: 2020-10-15. Review status: reviewed by expert panel. Criteria: ClinGen PAH ACMG Specifications v1. Collection method: curation. Allele origin: germline. Inheritance: Autosomal recessive inheritance.
Comment: This c.706+5G>A variant in PAH was reported in one patient with hyperphenylalaninemia. Tetrahydrobiopterin deficiency was ruled out with urinary pterin analysis and a DHPR activity assay (PMID: 29499199). This variant is absent from population databases. Multiple lines of computation evidence support a deleterious effect. In summary, this variant meets criteria to be classified as Uncertain Significance for PAH. PAH-specific ACMG/AMP criteria applied: PM2, PP4_moderate, and PP3.

Literature cited by the submitters: PubMed 29499199.